The following is an entry in ClinVar:

NM_000214.3(JAG1):c.2619_2620del (p.Ala874fs)

Gene: JAG1 (jagged canonical Notch ligand 1; minus strand). Cytogenetic location: 20p12.2.
Variant type: Deletion.
Coding change: c.2619_2620del on transcript NM_000214.3 (MANE Select); coding-DNA positions 2619 to 2620, 2 bases deleted (GG; older notation c.2619_2620delGG).
Protein change: p.Ala874fs; shifts the reading frame from alanine 874.
Molecular consequence: frameshift variant.
Genome position (GRCh38, 1-based): chr20:10,641,845-10,641,846, CC deleted on the plus strand (GG on the coding strand, the reverse complement: JAG1 is on the minus strand); deleting any 2 consecutive bases within chr20:10,641,845-10,641,848 gives the same sequence; the c. name uses the placement nearest the transcript's 3' end. VCF-style (leftmost placement, unchanged base first): chr20-10641844-GCC-G. GRCh37 (hg19) VCF-style: chr20-10622492-GCC-G.
Other names: c.2619_2620del, p.Ala874fs (LRG_1191t1); short protein forms A874fs.
Identifiers: ClinVar variation 213561 (VCV000213561.1), dbSNP rs863223674, ClinGen allele CA323816.

ClinVar aggregate classification (germline): Pathogenic (1 of 4 stars; one submission).

Submission:

GeneDx
Classification: Pathogenic. Last evaluated: 2014-01-16. Review status: criteria provided, single submitter. Criteria: GeneDx Variant Classification (06012015). Collection method: clinical testing. Allele origin: germline. Affected: yes.
Comment: The c.2619_2620delGG mutation in the JAG1 gene causes a frameshift starting with codon Alanine 874, changes this amino acid to a Glutamine residue and creates a premature Stop codon at position 4 of the new reading frame, denoted p.Ala874GlnfsX4. This mutation is predicted to cause loss of normal protein function either through protein truncation or nonsense-mediated mRNA decay.. This variant was found in JAG1